The following is an entry in ClinVar:

NM_000497.4(CYP11B1):c.799G>C (p.Gly267Arg)

Genes: CYP11B1 (cytochrome P450 family 11 subfamily B member 1; minus strand), LOC106799833 (CYP11B1 recombination region; plus strand). Cytogenetic location: 8q24.3.
Variant type: single nucleotide variant.
Coding change: c.799G>C on transcript NM_000497.4 (MANE Select); coding-DNA position 799, G replaced by C.
Protein change: p.Gly267Arg; replaces glycine 267 with arginine.
Molecular consequence: missense variant.
Genome position (GRCh38, 1-based): chr8:142,876,682, C>G on the plus strand (G>C on the coding strand, the complement: CYP11B1 is on the minus strand). VCF-style: chr8-142876682-C-G. GRCh37 (hg19) VCF-style: chr8-143958098-C-G.
Other names: c.799G>C, p.Gly267Arg (NM_001026213.1); c.799G>C (NM_000497.3); short protein forms G267R.
Identifiers: ClinVar variation 2674657 (VCV002674657.2), dbSNP rs1421641874, ClinGen allele CA372395370.

ClinVar aggregate classification (germline): Conflicting classifications of pathogenicity. Review status: criteria provided, conflicting classifications (1 of 4 stars). 3 submissions from 3 submitters: Likely pathogenic (2); Uncertain significance (1). Last evaluated 2023-11-22.

Conditions:
Deficiency of steroid 11-beta-monooxygenase (CYP11B1). Also called: ADRENAL HYPERPLASIA, CONGENITAL, DUE TO STEROID 11-BETA-HYDROXYLASE DEFICIENCY; P450C11B1 DEFICIENCY; STEROID 11-BETA-HYDROXYLASE DEFICIENCY; ADRENAL HYPERPLASIA IV; Congenital adrenal hyperplasia due to 11-beta-hydroxylase deficiency; 11-BETA-HYDROXYLASE DEFICIENCY. Identifiers: Orphanet 90795, MedGen C0268292, MONDO:0008729, OMIM 202010. Disease mechanism: loss of function.

Allele frequency attached by ClinVar (database versions not stated): gnomAD 0.00001.
gnomAD v4.1: 12 of 1,608,488 alleles (0.00075%); highest among the groups gnomAD compares: Non-Finnish European, 0.001%; no homozygotes.

Submissions (3):

Athena Diagnostics
Classification: Uncertain significance. Last evaluated: 2023-11-22. Review status: criteria provided, single submitter. Criteria: Athena Diagnostics Criteria. Collection method: clinical testing. Allele origin: unknown.
Comment: Available data are insufficient to determine the clinical significance of the variant at this time. The frequency of this variant in the general population is uninformative in assessment of its pathogenicity. This variant has been identified in at least one individual with clinical features associated with this gene (PMID: 8964882). At least one other missense variant at this codon is considered to be pathogenic or likely pathogenic, suggesting this variant may also cause disease (PMID: 19567537). Computational tools disagree on the variant's effect on normal protein function.

Clinical Biochemistry Laboratory, Health Services Laboratory
Classification: Likely pathogenic for Deficiency of steroid 11-beta-monooxygenase. Last evaluated: 2023-11-20. Review status: criteria provided, single submitter. Criteria: ACMG Guidelines, 2015. Collection method: clinical testing. Allele origin: germline. Affected: yes.
Comment: ACMG:PM1 PM2 PM3 PP3 PP4

Baylor Genetics
Classification: Likely pathogenic for Deficiency of steroid 11-beta-monooxygenase. Last evaluated: 2022-08-04. Review status: criteria provided, single submitter. Criteria: ACMG Guidelines, 2015. Collection method: clinical testing. Allele origin: unknown.

Literature cited by the submitters: PubMed 19567537 (cited by Athena Diagnostics); PubMed 8964882 (cited by Athena Diagnostics and Clinical Biochemistry Laboratory, Health Services Laboratory).